The following is an entry in ClinVar:

ClinVar aggregate classification (germline): Likely pathogenic (1 of 4 stars; one submission).

Conditions:
Developmental delay with short stature, dysmorphic facial features, and sparse hair 1. Also called: LOUCKS-INNES SYNDROME. Identifiers: MedGen CN323360, MONDO:0800438, OMIM 616901.

Submission:

3billion
Classification: Likely pathogenic for Developmental delay with short stature, dysmorphic facial features, and sparse hair 1. Last evaluated: 2025-11-06. Review status: criteria provided, single submitter. Criteria: ACMG Guidelines, 2015. Collection method: clinical testing. Allele origin: germline. Affected: yes.
Comment: The variant is not observed in the gnomAD v4.1.0 dataset. Predicted Consequence/Location: Frameshift: predicted to result in a loss or disruption of normal protein function through nonsense-mediated decay (NMD) or protein truncation. Multiple pathogenic variants are reported downstream of the variant. Therefore, this variant is classified as Likely pathogenic according to the recommendation of ACMG/AMP guideline.

NM_001383.6(DPH1):c.501del (p.Pro169fs)

Gene: DPH1 (diphthamide biosynthesis 1; plus strand). Cytogenetic location: 17p13.3.
Variant type: Deletion.
Coding change: c.501del on transcript NM_001383.6 (MANE Select); coding-DNA position 501, one base deleted (T; older notation c.501delT).
Protein change: p.Pro169fs; shifts the reading frame from proline 169.
Molecular consequence: frameshift variant. On other transcripts: non-coding transcript variant (3).
Genome position (GRCh38, 1-based): chr17:2,036,629, T deleted; the last of 3 consecutive T bases (chr17:2,036,627-2,036,629); deleting any one gives the same sequence. VCF-style (leftmost placement, unchanged base first): chr17-2036626-CT-C. GRCh37 (hg19) VCF-style: chr17-1939920-CT-C.
Other names: c.516del, p.Pro174fs (NM_001346574.1, NM_001346575.1); c.96del, p.Pro34fs (NM_001346576.2); short protein forms P169fs, P174fs, P34fs.
Identifiers: ClinVar variation 4854548 (VCV004854548.1).
Genomic context (GRCh38, chr17:2,036,626, plus strand): 5'-GTACGTCTTTGTGGACATCCGGATAGACACTACACACCTCCTGGACTCTCTCCGCCTCAC[CT>C]TTCCCCCAGCCACTGCCCTTGCCCTGGTCAGCACCATTCAGTTTGTGTCGACCTTGCAGG-3'